The following is an entry in ClinVar:

ClinVar aggregate classification (germline): Uncertain significance. Review status: criteria provided, multiple submitters, no conflicts (2 of 4 stars). 2 submissions from 2 submitters: Uncertain significance (2). Last evaluated 2024-10-21.

Allele frequency attached by ClinVar (database versions not stated): gnomAD 0.00002; ExAC 0.00003; TOPMed 0.00003.
gnomAD v4.1: 29 of 1,611,974 alleles (0.0018%); highest among the groups gnomAD compares: Non-Finnish European, 0.0023%; no homozygotes.

Submissions (2):

Blueprint Genetics
Classification: Uncertain significance. Last evaluated: 2024-10-21. Review status: criteria provided, single submitter. Criteria: ACMG Guidelines, 2015. Collection method: clinical testing. Allele origin: germline.

Labcorp Genetics (formerly Invitae), Labcorp
Classification: Uncertain significance. Last evaluated: 2022-08-16. Review status: criteria provided, single submitter. Criteria: Invitae Variant Classification Sherloc (09022015). Collection method: clinical testing. Allele origin: germline.
Comment: This sequence change replaces proline, which is neutral and non-polar, with arginine, which is basic and polar, at codon 772 of the LPIN1 protein (p.Pro772Arg). This variant is present in population databases (rs774681933, gnomAD 0.004%). This variant has not been reported in the literature in individuals affected with LPIN1-related conditions. Algorithms developed to predict the effect of missense changes on protein structure and function (SIFT, PolyPhen-2, Align-GVGD) all suggest that this variant is likely to be disruptive. In summary, the available evidence is currently insufficient to determine the role of this variant in disease. Therefore, it has been classified as a Variant of Uncertain Significance.

NM_001349206.2(LPIN1):c.2423C>G (p.Pro808Arg)

Gene: LPIN1 (lipin 1; plus strand). Cytogenetic location: 2p25.1.
Variant type: single nucleotide variant.
Coding change: c.2423C>G on transcript NM_001349206.2 (MANE Select); coding-DNA position 2423, C replaced by G.
Protein change: p.Pro808Arg; replaces proline 808 with arginine.
Molecular consequence: missense variant. On other transcripts: non-coding transcript variant (1).
Genome position (GRCh38, 1-based): chr2:11,819,504, C>G. VCF-style: chr2-11819504-C-G. GRCh37 (hg19) VCF-style: chr2-11959630-C-G.
Other names: c.2333C>G, p.Pro778Arg (NM_001261427.3); c.2570C>G, p.Pro857Arg (NM_001261428.3); c.2315C>G, p.Pro772Arg (NM_001349199.2, NM_145693.4); c.2393C>G, p.Pro798Arg (NM_001349200.2, NM_001349201.2); c.2420C>G, p.Pro807Arg (NM_001349202.2, NM_001349203.2); c.2423C>G, p.Pro808Arg (NM_001349204.2, NM_001349205.2); c.2513C>G, p.Pro838Arg (NM_001349207.2); c.2462C>G, p.Pro821Arg (NM_001349208.2); short protein forms P808R, P798R, P838R, P857R, P772R, P778R, P807R, P821R.
Identifiers: ClinVar variation 2061532 (VCV002061532.2), dbSNP rs774681933, ClinGen allele CA1534104.